The following is an entry in ClinVar:

ClinVar aggregate classification (germline): Uncertain significance (1 of 4 stars; one submission).

Conditions:
Bethlem myopathy 1A. Also called: MYOPATHY, BENIGN CONGENITAL, WITH CONTRACTURES; Bethlem myopathy 1; Bethlem Muscular Dystrophy. Identifiers: Orphanet 610, MedGen CN029274, MONDO:0024530, OMIM 158810.

Submission:

Labcorp Genetics (formerly Invitae), Labcorp
Classification: Uncertain significance for Bethlem myopathy 1A. Last evaluated: 2022-06-10. Review status: criteria provided, single submitter. Criteria: Invitae Variant Classification Sherloc (09022015). Collection method: clinical testing. Allele origin: germline.
Comment: In summary, the available evidence is currently insufficient to determine the role of this variant in disease. Therefore, it has been classified as a Variant of Uncertain Significance. Algorithms developed to predict the effect of missense changes on protein structure and function are either unavailable or do not agree on the potential impact of this missense change (SIFT: "Deleterious"; PolyPhen-2: "Not Available"; Align-GVGD: "Class C25"). This variant has not been reported in the literature in individuals affected with COL6A1-related conditions. This variant is not present in population databases (gnomAD no frequency). This sequence change replaces tyrosine, which is neutral and polar, with cysteine, which is neutral and slightly polar, at codon 93 of the COL6A1 protein (p.Tyr93Cys).

NM_001848.3(COL6A1):c.278A>G (p.Tyr93Cys)

Gene: COL6A1 (collagen type VI alpha 1 chain; plus strand). Cytogenetic location: 21q22.3.
Variant type: single nucleotide variant.
Coding change: c.278A>G on transcript NM_001848.3 (MANE Select); coding-DNA position 278, A replaced by G.
Protein change: p.Tyr93Cys; replaces tyrosine 93 with cysteine.
Molecular consequence: missense variant.
Genome position (GRCh38, 1-based): chr21:45,984,319, A>G. VCF-style: chr21-45984319-A-G. GRCh37 (hg19) VCF-style: chr21-47404233-A-G.
Other names: short protein forms Y93C.
Identifiers: ClinVar variation 1997344 (VCV001997344.4), dbSNP rs1569517702, ClinGen allele CA410515884.
Genomic context (GRCh38, chr21:45,984,319, plus strand): 5'-TTCCTGGCAGGTACTACCGCTGTGACCGAAACCTGGTGTGGAACGCAGGCGCGCTGCACT[A>G]CAGTGACGAGGTGGAGATCATCCAAGGCCTCACGCGCATGCCTGGCGGCCGCGACGCACT-3'
Protein context (NP_001839.2, residues 83-103): NLVWNAGALH[Tyr93Cys]SDEVEIIQGL